The following is an entry in ClinVar:

NM_004260.4(RECQL4):c.2890C>T (p.Pro964Ser)

Gene: RECQL4 (RecQ like helicase 4; minus strand). Cytogenetic location: 8q24.3.
Variant type: single nucleotide variant.
Coding change: c.2890C>T on transcript NM_004260.4 (MANE Select); coding-DNA position 2890, C replaced by T.
Protein change: p.Pro964Ser; replaces proline 964 with serine.
Molecular consequence: missense variant.
Genome position (GRCh38, 1-based): chr8:144,512,557, G>A on the plus strand (C>T on the coding strand, the complement: RECQL4 is on the minus strand). VCF-style: chr8-144512557-G-A. GRCh37 (hg19) VCF-style: chr8-145737940-G-A.
Other names: short protein forms P964S.
Identifiers: ClinVar variation 459442 (VCV000459442.7), dbSNP rs33972310, ClinGen allele CA372673674.
Genomic context (GRCh38, chr8:144,512,557, plus strand): 5'-AGCTGCTGCCTTGCCCTGGGTCCTCAGGCAGCTGCTGGGCCAAGCACACAGCCAAAGGGG[G>A]ACACCTGTGCCCAGGGAAAAAGGGACATGTGGCCAACAGCCCTGATTCTCCAACCTCGTC-3'
Protein context (NP_004251.4, residues 954-974): AQLQALAHRC[Pro964Ser]PLAVCLAQQL

ClinVar aggregate classification (germline): Uncertain significance (1 of 4 stars; one submission).

Conditions:
Baller-Gerold syndrome (BGS). Also called: CRANIOSYNOSTOSIS WITH RADIAL DEFECTS. Identifiers: Orphanet 1225, MedGen C0265308, MONDO:0009039, OMIM 218600.

gnomAD v4.1: 3 of 1,612,532 alleles (0.00019%); highest among the groups gnomAD compares: Non-Finnish European, 0.00025%; no homozygotes.

Submission:

Labcorp Genetics (formerly Invitae), Labcorp
Classification: Uncertain significance for Baller-Gerold syndrome. Last evaluated: 2022-10-26. Review status: criteria provided, single submitter. Criteria: Invitae Variant Classification Sherloc (09022015). Collection method: clinical testing. Allele origin: germline.
Comment: In summary, the available evidence is currently insufficient to determine the role of this variant in disease. Therefore, it has been classified as a Variant of Uncertain Significance. Advanced modeling of protein sequence and biophysical properties (such as structural, functional, and spatial information, amino acid conservation, physicochemical variation, residue mobility, and thermodynamic stability) performed at Invitae indicates that this missense variant is not expected to disrupt RECQL4 protein function. ClinVar contains an entry for this variant (Variation ID: 459442). This variant has not been reported in the literature in individuals affected with RECQL4-related conditions. This variant is not present in population databases (gnomAD no frequency). This sequence change replaces proline, which is neutral and non-polar, with serine, which is neutral and polar, at codon 964 of the RECQL4 protein (p.Pro964Ser).